The following is an entry in ClinVar:

ClinVar aggregate classification (germline): Uncertain significance (1 of 4 stars; one submission).

Conditions:
Joubert syndrome. Also called: Familial aplasia of the vermis; CEREBELLOPARENCHYMAL DISORDER IV; JOUBERT-BOLTSHAUSER SYNDROME. Identifiers: Orphanet 475, MedGen C5979921, MONDO:0018772.

gnomAD v4.1: 1 of 1,613,698 alleles (0.000062%); no homozygotes.

Submission:

Labcorp Genetics (formerly Invitae), Labcorp
Classification: Uncertain significance for Joubert syndrome. Last evaluated: 2022-01-15. Review status: criteria provided, single submitter. Criteria: Invitae Variant Classification Sherloc (09022015). Collection method: clinical testing. Allele origin: germline.
Comment: Advanced modeling of protein sequence and biophysical properties (such as structural, functional, and spatial information, amino acid conservation, physicochemical variation, residue mobility, and thermodynamic stability) performed at Invitae indicates that this missense variant is expected to disrupt INPP5E protein function. ClinVar contains an entry for this variant (Variation ID: 1061390). This missense change has been observed in individual(s) with retinitis pigmentosa (Invitae). This variant is not present in population databases (gnomAD no frequency). This sequence change replaces glycine, which is neutral and non-polar, with arginine, which is basic and polar, at codon 617 of the INPP5E protein (p.Gly617Arg). In summary, the available evidence is currently insufficient to determine the role of this variant in disease. Therefore, it has been classified as a Variant of Uncertain Significance.

NM_019892.6(INPP5E):c.1849G>A (p.Gly617Arg)

Gene: INPP5E (inositol polyphosphate-5-phosphatase E; minus strand). Cytogenetic location: 9q34.3.
Variant type: single nucleotide variant.
Coding change: c.1849G>A on transcript NM_019892.6 (MANE Select); coding-DNA position 1849, G replaced by A.
Protein change: p.Gly617Arg; replaces glycine 617 with arginine.
Molecular consequence: missense variant.
Genome position (GRCh38, 1-based): chr9:136,429,761, C>T on the plus strand (G>A on the coding strand, the complement: INPP5E is on the minus strand). VCF-style: chr9-136429761-C-T. GRCh37 (hg19) VCF-style: chr9-139324213-C-T.
Other names: c.1846G>A, p.Gly616Arg (NM_001318502.2); short protein forms G616R, G617R.
Identifiers: ClinVar variation 1061390 (VCV001061390.9), dbSNP rs1477067987, ClinGen allele CA375560292.